The following is an entry in ClinVar:

ClinVar aggregate classification (germline): Likely benign. Review status: reviewed by expert panel (3 of 4 stars). 2 submissions from 2 submitters: Likely benign (1). 1 of the submissions does not count toward it. Last evaluated 2017-06-29.

Conditions:
Breast-ovarian cancer, familial, susceptibility to, 2 (BROVCA2). Also called: BRCA2 Hereditary Breast and Ovarian Cancer. Identifiers: Orphanet 145, MedGen C2675520, MONDO:0012933, OMIM 612555. Disease mechanism: loss of function.
Hereditary breast ovarian cancer syndrome. Also called: BRCA1- and BRCA2-Associated Hereditary Breast and Ovarian Cancer; Hereditary breast and/or ovarian cancer syndrome; Hereditary breast and ovarian cancer; Hereditary breast and ovarian cancer syndrome; Hereditary breast and ovarian cancer syndrome (HBOC); Breast and ovarian cancer. Identifiers: Orphanet 145, MedGen C0677776, MeSH D061325, MONDO:0003582. Disease mechanism: loss of function.

Allele frequency attached by ClinVar (database versions not stated): gnomAD below 0.00001 and 0.00001; gnomAD exomes below 0.00001; ExAC 0.00001.

Submissions (2):

Evidence-based Network for the Interpretation of Germline Mutant Alleles (ENIGMA)
Classification: Likely benign for Breast-ovarian cancer, familial, susceptibility to, 2. Last evaluated: 2017-06-29. Review status: reviewed by expert panel. Criteria: ENIGMA BRCA1/2 Classification Criteria (2017-06-29). Collection method: curation. Allele origin: germline.
Comment: Synonymous substitution variant, with low bioinformatic likelihood to result in a splicing aberration (Splicing prior probability 0.02).

Labcorp Genetics (formerly Invitae), Labcorp
Classification: Likely benign for Hereditary breast ovarian cancer syndrome. Last evaluated: 2020-03-05. Review status: criteria provided, single submitter. Criteria: Invitae Variant Classification Sherloc (09022015). Collection method: clinical testing. Allele origin: germline. Not counted in ClinVar's aggregate classification.

NM_000059.4(BRCA2):c.6885G>A (p.Arg2295=)

Gene: BRCA2 (BRCA2 DNA repair associated; plus strand). Cytogenetic location: 13q13.1.
Variant type: single nucleotide variant.
Coding change: c.6885G>A on transcript NM_000059.4 (MANE Select); coding-DNA position 6885, G replaced by A.
Protein change: p.Arg2295=; no amino-acid change (arginine 2295 retained).
Molecular consequence: synonymous variant.
Genome position (GRCh38, 1-based): chr13:32,344,601, G>A. VCF-style: chr13-32344601-G-A. GRCh37 (hg19) VCF-style: chr13-32918738-G-A.
Identifiers: ClinVar variation 427528 (VCV000427528.12), dbSNP rs763852568, ClinGen allele CA6941011.